The following is an entry in ClinVar:

NM_015570.4(AUTS2):c.3350G>A (p.Arg1117Lys)

Gene: AUTS2 (activator of transcription and developmental regulator AUTS2; plus strand). Cytogenetic location: 7q11.22.
Variant type: single nucleotide variant.
Coding change: c.3350G>A on transcript NM_015570.4 (MANE Select); coding-DNA position 3350, G replaced by A.
Protein change: p.Arg1117Lys; replaces arginine 1117 with lysine.
Molecular consequence: missense variant.
Genome position (GRCh38, 1-based): chr7:70,790,566, G>A. VCF-style: chr7-70790566-G-A. GRCh37 (hg19) VCF-style: chr7-70255552-G-A.
Other names: c.3278G>A, p.Arg1093Lys (NM_001127231.3); short protein forms R1093K, R1117K.
Identifiers: ClinVar variation 1313896 (VCV001313896.2), dbSNP rs1226035348, ClinGen allele CA367666005.

ClinVar aggregate classification (germline): Uncertain significance (1 of 4 stars; one submission).

Submission:

GeneDx
Classification: Uncertain significance. Last evaluated: 2021-01-08. Review status: criteria provided, single submitter. Criteria: GeneDx Variant Classification Process June 2021. Collection method: clinical testing. Allele origin: germline. Affected: yes.
Comment: In silico analysis supports that this missense variant does not alter protein structure/function; Has not been previously published as pathogenic or benign to our knowledge